The following is an entry in ClinVar:

ClinVar aggregate classification (germline): Uncertain significance (1 of 4 stars; one submission).

gnomAD v4.1: 6 of 1,614,208 alleles (0.00037%); highest among the groups gnomAD compares: East Asian, 0.013%; no homozygotes.

Submission:

Labcorp Genetics (formerly Invitae), Labcorp
Classification: Uncertain significance. Last evaluated: 2025-01-15. Review status: criteria provided, single submitter. Criteria: Invitae Variant Classification Sherloc (09022015). Collection method: clinical testing. Allele origin: germline.
Comment: This sequence change replaces threonine, which is neutral and polar, with serine, which is neutral and polar, at codon 569 of the TFRC protein (p.Thr569Ser). This variant is present in population databases (rs757696465, gnomAD 0.01%). This variant has not been reported in the literature in individuals affected with TFRC-related conditions. Invitae Evidence Modeling of protein sequence and biophysical properties (such as structural, functional, and spatial information, amino acid conservation, physicochemical variation, residue mobility, and thermodynamic stability) indicates that this missense variant is not expected to disrupt TFRC protein function with a negative predictive value of 80%. In summary, the available evidence is currently insufficient to determine the role of this variant in disease. Therefore, it has been classified as a Variant of Uncertain Significance.

NM_001128148.3(TFRC):c.1706C>G (p.Thr569Ser)

Gene: TFRC (transferrin receptor; minus strand). Cytogenetic location: 3q29.
Variant type: single nucleotide variant.
Coding change: c.1706C>G on transcript NM_001128148.3 (MANE Select); coding-DNA position 1706, C replaced by G.
Protein change: p.Thr569Ser; replaces threonine 569 with serine.
Molecular consequence: missense variant.
Genome position (GRCh38, 1-based): chr3:196,055,273, G>C on the plus strand (C>G on the coding strand, the complement: TFRC is on the minus strand). VCF-style: chr3-196055273-G-C. GRCh37 (hg19) VCF-style: chr3-195782144-G-C.
Other names: c.1463C>G, p.Thr488Ser (NM_001313965.2); c.860C>G, p.Thr287Ser (NM_001313966.2); c.1706C>G, p.Thr569Ser (NM_003234.4); short protein forms T569S, T287S, T488S.
Identifiers: ClinVar variation 3711894 (VCV003711894.2).
Genomic context (GRCh38, chr3:196,055,273, plus strand): 5'-GCTCGTGCCACTTTGTTCAACTCAGGAATCCTCTCAATCAGTTCCTTATAGGTGTCCATG[G>C]TGGTACCCAAATAAGGATAATCTGTGTCCTGCAAGACAACGCGAGGCTATGGTACTCACG-3'
Protein context (NP_001121620.1, residues 559-579): EDTDYPYLGT[Thr569Ser]MDTYKELIER